The following is an entry in ClinVar:

ClinVar aggregate classification (germline): Uncertain significance (1 of 4 stars; one submission).

Conditions:
Fanconi anemia (FA). Also called: Fanconi's anemia. Identifiers: Orphanet 84, MedGen C0015625, MeSH D005199, MONDO:0019391.

Allele frequency attached by ClinVar (database versions not stated): TOPMed below 0.00001; gnomAD 0.00001.
gnomAD v4.1: 7 of 1,611,002 alleles (0.00043%); highest among the groups gnomAD compares: Non-Finnish European, 0.00059%; no homozygotes.

Submission:

Labcorp Genetics (formerly Invitae), Labcorp
Classification: Uncertain significance for Fanconi anemia. Last evaluated: 2022-03-15. Review status: criteria provided, single submitter. Criteria: Invitae Variant Classification Sherloc (09022015). Collection method: clinical testing. Allele origin: germline.
Comment: This sequence change replaces glutamine, which is neutral and polar, with histidine, which is basic and polar, at codon 328 of the FANCL protein (p.Gln328His). This variant is present in population databases (no rsID available, gnomAD 0.0009%). This variant has not been reported in the literature in individuals affected with FANCL-related conditions. Algorithms developed to predict the effect of missense changes on protein structure and function output the following: SIFT: "Deleterious"; PolyPhen-2: "Benign"; Align-GVGD: "Class C0". The histidine amino acid residue is found in multiple mammalian species, which suggests that this missense change does not adversely affect protein function. In summary, the available evidence is currently insufficient to determine the role of this variant in disease. Therefore, it has been classified as a Variant of Uncertain Significance.

NM_018062.4(FANCL):c.984G>T (p.Gln328His)

Gene: FANCL (FA complementation group L; minus strand). Cytogenetic location: 2p16.1.
Variant type: single nucleotide variant.
Coding change: c.984G>T on transcript NM_018062.4 (MANE Select); coding-DNA position 984, G replaced by T.
Protein change: p.Gln328His; replaces glutamine 328 with histidine.
Molecular consequence: missense variant.
Genome position (GRCh38, 1-based): chr2:58,161,558, C>A on the plus strand (G>T on the coding strand, the complement: FANCL is on the minus strand). VCF-style: chr2-58161558-C-A. GRCh37 (hg19) VCF-style: chr2-58388693-C-A.
Other names: c.999G>T, p.Gln333His (NM_001114636.2); c.1029G>T, p.Gln343His (NM_001374615.1); c.1044G>T, p.Gln348His (NM_001410792.1); short protein forms Q328H, Q348H, Q333H, Q343H.
Identifiers: ClinVar variation 2174990 (VCV002174990.1), dbSNP rs1403926280, ClinGen allele CA346932789.